The following is an entry in ClinVar:

ClinVar aggregate classification (germline): Conflicting classifications of pathogenicity. Review status: criteria provided, conflicting classifications (1 of 4 stars). 13 submissions from 13 submitters: Uncertain significance (6); Likely benign (5). 2 of the submissions do not count toward it. Last evaluated 2026-06-01.

Conditions:
UNC13D-related disorder. Also called: UNC13D-related condition.
Autoinflammatory syndrome. Identifiers: Orphanet 93665, MedGen C3890737, MONDO:0019751.
Familial hemophagocytic lymphohistiocytosis 3 (FHL3). Also called: UNC13D-Related Familial Hemophagocytic Lymphohistiocytosis (UNC13D-fHLH). Identifiers: Orphanet 540, MedGen C1837174, MONDO:0012146, OMIM 608898.

Allele frequency attached by ClinVar (database versions not stated): 1000 Genomes Project 30x 0.00031; 1000 Genomes Project 0.00040; ExAC 0.00127; ESP Exome Variant Server 0.00154; gnomAD exomes 0.00154; gnomAD 0.00161 and 0.00162; TOPMed 0.00201.
gnomAD v4.1: 3,390 of 1,613,768 alleles (0.21%); highest among the groups gnomAD compares: Admixed American, 0.32%; 7 homozygotes.

Submissions (13):

CeGaT Center for Human Genetics Tuebingen
Classification: Likely benign. Last evaluated: 2026-06-01. Review status: criteria provided, single submitter. Criteria: CeGaT Center For Human Genetics Tuebingen Variant Classification Criteria Version 2. Collection method: clinical testing. Allele origin: germline. Affected: yes. Observed: 4 variant alleles.
Comment: UNC13D: BP4, BS2

PreventionGenetics, part of Exact Sciences
Classification: Uncertain significance for UNC13D-related condition. Last evaluated: 2026-02-09. Review status: criteria provided, single submitter. Criteria: ACMG Guidelines, 2015. Collection method: clinical testing. Allele origin: germline.
Comment: The UNC13D c.2341G>A variant is predicted to result in the amino acid substitution p.Val781Ile. This variant was reported in the heterozygous state in an individual with autoimmune lymphoproliferative syndrome (Aricò et al. 2013. PubMed ID: 23840885). Additional functional studies suggest this variant impacts granule exocytosis (Aricò et al. 2013. PubMed ID: 23840885). This variant is reported in 0.30% of alleles in individuals of Latino descent in gnomAD, including one homozygous individual. In ClinVar, it has conflicting interpretations regarding its pathogenicity, ranging from likely benign to a variant of uncertain significance. Although we suspect that this variant may be benign, at this time, the clinical significance of this variant is uncertain due to the absence of conclusive functional and genetic evidence.

Labcorp Genetics (formerly Invitae), Labcorp
Classification: Likely benign for Familial hemophagocytic lymphohistiocytosis 3. Last evaluated: 2026-02-03. Review status: criteria provided, single submitter. Criteria: Invitae Variant Classification Sherloc (09022015). Collection method: clinical testing. Allele origin: germline.

GeneDx
Classification: Uncertain significance. Last evaluated: 2025-04-04. Review status: criteria provided, single submitter. Criteria: GeneDx Variant Classification Process June 2021. Collection method: clinical testing. Allele origin: germline. Affected: yes.
Comment: Functional studies in transfected cell lines displayed a loss-of-function effect, reducing granule exocytosis (PMID: 23840885); Observed with two additional UNC13D variants in a patient with autoinflammation and immunological dysregulation in published literature, however additional clinical information and segregation data were not provided (PMID: 39006921); Observed in the heterozygous state in a patient with autoimmune lymphoproliferative syndrome and in a patient with hemophagocytic lymphohistiocytosis in published literature, although a second UNC13D variant was not reported in these patients (PMID: 23840885, 29632024); In silico analysis indicates that this missense variant does not alter protein structure/function; This variant is associated with the following publications: (PMID: 34426522, 29864493, Buttini_2013_PhDThesis, 34868048, 23840885, 39006921, 29632024)

Blueprint Genetics
Classification: Likely benign. Last evaluated: 2024-11-26. Review status: criteria provided, single submitter. Criteria: ACMG Guidelines, 2015. Collection method: clinical testing. Allele origin: germline.

Women's Health and Genetics/Laboratory Corporation of America, LabCorp
Classification: Likely benign. Last evaluated: 2024-11-12. Review status: criteria provided, single submitter. Criteria: LabCorp Variant Classification Summary - May 2015. Collection method: clinical testing. Allele origin: germline.
Comment: Variant summary: UNC13D c.2341G>A (p.Val781Ile) results in a conservative amino acid change located in the MUN domain (IPR010439) of the encoded protein sequence. Five of five in-silico tools predict a benign effect of the variant on protein function. The variant allele was found at a frequency of 0.0015 in 250864 control chromosomes, predominantly at a frequency of 0.0029 within the Latino subpopulation in the gnomAD database, including 1 homozygote. The observed variant frequency within Latino control individuals in the gnomAD database is approximately 1.1 fold of the estimated maximal expected allele frequency for a pathogenic variant in UNC13D causing Familial Hemophagocytic Lymphohistiocytosis phenotype (0.0027), strongly suggesting that the variant is a benign polymorphism found primarily in populations of Latino origin. c.2341G>A has been reported in the literature as a non-informative genotype in at-least one individual with Autoimmune lymphoproliferative syndrome (ALPS) (Arico_2013). These report(s) do not provide unequivocal conclusions about association of the variant with Familial Hemophagocytic Lymphohistiocytosis. One publication reports experimental evidence evaluating an impact on protein function, however, does not allow convincing conclusions about the variant effect (Arico_2013). The following publication have been ascertained in the context of this evaluation (PMID: 23840885). ClinVar contains an entry for this variant (Variation ID: 325252). Based on the evidence outlined above, the variant was classified as likely benign.

Mayo Clinic Laboratories, Mayo Clinic
Classification: Uncertain significance. Last evaluated: 2023-09-15. Review status: criteria provided, single submitter. Criteria: ACMG Guidelines, 2015. Collection method: clinical testing. Allele origin: germline. Observed: 1 variant allele.
Comment: BS1, BP4, PS3_supporting

Genetics and Molecular Pathology, SA Pathology
Classification: Uncertain significance for Familial hemophagocytic lymphohistiocytosis 3. Last evaluated: 2020-08-28. Review status: criteria provided, single submitter. Criteria: ACMG Guidelines, 2015. Collection method: clinical testing. Allele origin: germline. Inheritance: Autosomal recessive inheritance. Affected: yes.
Comment: BP4

Genome Diagnostics Laboratory, The Hospital for Sick Children
Classification: Likely benign for Autoinflammatory syndrome. Last evaluated: 2020-05-01. Review status: criteria provided, single submitter. Criteria: ACMG Guidelines, 2015. Collection method: clinical testing. Allele origin: germline. Affected: yes.

Eurofins Ntd Llc (ga)
Classification: Uncertain significance. Last evaluated: 2018-06-28. Review status: criteria provided, single submitter. Criteria: EGL ClinVar v180209 classification definitions. Collection method: clinical testing. Allele origin: germline. Observed: 1 variant allele, 1 heterozygote.

Illumina Laboratory Services, Illumina
Classification: Uncertain significance for Familial hemophagocytic lymphohistiocytosis 3. Last evaluated: 2018-01-13. Review status: criteria provided, single submitter. Criteria: ICSL Variant Classification Criteria 13 December 2019. Collection method: clinical testing. Allele origin: germline.

Diagnostic Laboratory, Department of Genetics, University Medical Center Groningen
Classification: Likely benign. Review status: no assertion criteria provided. Collection method: clinical testing. Allele origin: germline. Affected: yes. Study: VKGL Data-share Consensus. Not counted in ClinVar's aggregate classification.

Genome Diagnostics Laboratory, University Medical Center Utrecht
Classification: Likely benign. Review status: no assertion criteria provided. Collection method: clinical testing. Allele origin: germline. Affected: yes. Study: VKGL Data-share Consensus. Not counted in ClinVar's aggregate classification.

Literature cited by the submitters: PubMed 23840885 (cited by Women's Health and Genetics/Laboratory Corporation of America, LabCorp and Mayo Clinic Laboratories, Mayo Clinic); PubMed 34868048 (cited by Mayo Clinic Laboratories, Mayo Clinic).

NM_199242.3(UNC13D):c.2341G>A (p.Val781Ile)

Gene: UNC13D (unc-13 homolog D; minus strand). Cytogenetic location: 17q25.1.
Variant type: single nucleotide variant.
Coding change: c.2341G>A on transcript NM_199242.3 (MANE Select); coding-DNA position 2341, G replaced by A.
Protein change: p.Val781Ile; replaces valine 781 with isoleucine.
Molecular consequence: missense variant.
Genome position (GRCh38, 1-based): chr17:75,834,101, C>T on the plus strand (G>A on the coding strand, the complement: UNC13D is on the minus strand). VCF-style: chr17-75834101-C-T. GRCh37 (hg19) VCF-style: chr17-73830182-C-T.
Other names: p.Val781Ile; short protein forms V781I.
Identifiers: ClinVar variation 325252 (VCV000325252.74), dbSNP rs149871493, ClinGen allele CA8772587.